The following is an entry in ClinVar:

ClinVar aggregate classification (germline): Uncertain significance. Review status: criteria provided, multiple submitters, no conflicts (2 of 4 stars). 2 submissions from 2 submitters: Uncertain significance (2). Last evaluated 2022-10-17.

Submissions (2):

Labcorp Genetics (formerly Invitae), Labcorp
Classification: Uncertain significance. Last evaluated: 2022-10-17. Review status: criteria provided, single submitter. Criteria: Invitae Variant Classification Sherloc (09022015). Collection method: clinical testing. Allele origin: germline.
Comment: This variant, c.1756_1758del, results in the deletion of 1 amino acid(s) of the CEP152 protein (p.Lys586del), but otherwise preserves the integrity of the reading frame. This variant is present in population databases (rs752378594, gnomAD 0.2%). This variant has not been reported in the literature in individuals affected with CEP152-related conditions. Experimental studies and prediction algorithms are not available or were not evaluated, and the functional significance of this variant is currently unknown. In summary, the available evidence is currently insufficient to determine the role of this variant in disease. Therefore, it has been classified as a Variant of Uncertain Significance.

GeneDx
Classification: Uncertain significance. Last evaluated: 2022-06-09. Review status: criteria provided, single submitter. Criteria: GeneDx Variant Classification Process June 2021. Collection method: clinical testing. Allele origin: germline. Affected: yes.
Comment: In-frame deletion of 1 amino acid in a non-repeat region; In silico analysis supports that this variant does not alter protein structure/function; Has not been previously published as pathogenic or benign to our knowledge

NM_001194998.2(CEP152):c.1753AAG[1] (p.Lys586del)

Gene: CEP152 (centrosomal protein 152; minus strand). Cytogenetic location: 15q21.1.
Variant type: Microsatellite.
Coding change: c.1753AAG[1] on transcript NM_001194998.2 (MANE Select); one copy of the 3-base unit AAG starting at c.1753; the reference has two copies in a row; one copy, 3 bases deleted.
Protein change: p.Lys586del; deletes lysine 586.
Molecular consequence: inframe deletion.
Genome position (GRCh38, 1-based): chr15:48,772,511-48,772,513, CTT deleted on the plus strand (AAG on the coding strand, the reverse complement: CEP152 is on the minus strand); deleting any 3 consecutive bases within chr15:48,772,511-48,772,517 gives the same sequence; the position shown is the placement nearest the transcript's 3' end. VCF-style (leftmost placement, unchanged base first): chr15-48772510-CCTT-C. GRCh37 (hg19) VCF-style: chr15-49064707-CCTT-C.
Other names: c.1753AAG[1], p.Lys586del (NM_014985.4); short protein forms K586del.
Identifiers: ClinVar variation 1394508 (VCV001394508.4), dbSNP rs752378594, ClinGen allele CA7548767.